The following is an entry in ClinVar:

NM_001481.3(GAS8):c.1433C>T (p.Thr478Met)

Gene: GAS8 (growth arrest specific 8; plus strand). Cytogenetic location: 16q24.3.
Variant type: single nucleotide variant.
Coding change: c.1433C>T on transcript NM_001481.3 (MANE Select); coding-DNA position 1433, C replaced by T.
Protein change: p.Thr478Met; replaces threonine 478 with methionine.
Molecular consequence: missense variant. On other transcripts: non-coding transcript variant (1).
Genome position (GRCh38, 1-based): chr16:90,043,341, C>T. VCF-style: chr16-90043341-C-T. GRCh37 (hg19) VCF-style: chr16-90109749-C-T.
Other names: c.1184C>T, p.Thr395Met (NM_001286205.2); c.857C>T, p.Thr286Met (NM_001286208.2); c.1358C>T, p.Thr453Met (NM_001286209.2); short protein forms T286M, T453M, T478M, T395M.
Identifiers: ClinVar variation 1043039 (VCV001043039.7), dbSNP rs1187785972, ClinGen allele CA397473296.
Genomic context (GRCh38, chr16:90,043,341, plus strand): 5'-AAACAGCTGTGATCGGACAGACACTGGGCCAGGGCCCCGCGGGACTGGTGGGCACCCCGA[C>T]GTAGCTGCCCCCCTGGGGGGCCACAGCCCAGAGAACCAGCCTAGGAACACTCGGGATGAC-3'
Protein context (NP_001472.1, residues 468-478): QGPAGLVGTP[Thr478Met]

ClinVar aggregate classification (germline): Uncertain significance (1 of 4 stars; one submission).

Conditions:
Primary ciliary dyskinesia 33. Also called: CILIARY DYSKINESIA, PRIMARY, 33, WITHOUT SITUS INVERSUS. Identifiers: Orphanet 244, MedGen C4225230, MONDO:0014750, OMIM 616726.

Allele frequency attached by ClinVar (database versions not stated): gnomAD exomes 0.00002; gnomAD 0.00003; TOPMed 0.00003.
gnomAD v4.1: 23 of 1,585,022 alleles (0.0015%); highest among the groups gnomAD compares: East Asian, 0.007%; no homozygotes.

Submission:

Labcorp Genetics (formerly Invitae), Labcorp
Classification: Uncertain significance for Primary ciliary dyskinesia 33. Last evaluated: 2022-08-12. Review status: criteria provided, single submitter. Criteria: Invitae Variant Classification Sherloc (09022015). Collection method: clinical testing. Allele origin: germline.
Comment: This sequence change replaces threonine, which is neutral and polar, with methionine, which is neutral and non-polar, at codon 478 of the GAS8 protein (p.Thr478Met). This variant is present in population databases (no rsID available, gnomAD 0.01%). This variant has not been reported in the literature in individuals affected with GAS8-related conditions. ClinVar contains an entry for this variant (Variation ID: 1043039). Algorithms developed to predict the effect of missense changes on protein structure and function are either unavailable or do not agree on the potential impact of this missense change (SIFT: "Tolerated"; PolyPhen-2: "Probably Damaging"; Align-GVGD: "Class C0"). In summary, the available evidence is currently insufficient to determine the role of this variant in disease. Therefore, it has been classified as a Variant of Uncertain Significance.